The following is an entry in ClinVar:

NM_001394962.1(KIAA1210):c.4050G>A (p.Leu1350=)

Gene: KIAA1210 (KIAA1210; minus strand). Cytogenetic location: Xq24.
Variant type: single nucleotide variant.
Coding change: c.4050G>A on transcript NM_001394962.1 (MANE Select); coding-DNA position 4050, G replaced by A.
Protein change: p.Leu1350=; no amino-acid change (leucine 1350 retained).
Molecular consequence: synonymous variant.
Genome position (GRCh38, 1-based): chrX:119,086,652, C>T on the plus strand (G>A on the coding strand, the complement: KIAA1210 is on the minus strand). VCF-style: chrX-119086652-C-T. GRCh37 (hg19) VCF-style: chrX-118220615-C-T.
Other names: c.4578G>A, p.Leu1526= (NM_020721.1).
Identifiers: ClinVar variation 2661285 (VCV002661285.24), dbSNP rs369717450, ClinGen allele CA10500923.

ClinVar aggregate classification (germline): Likely benign (1 of 4 stars; one submission).

Allele frequency attached by ClinVar (database versions not stated): ESP Exome Variant Server 0.00010; TOPMed 0.00013; gnomAD 0.00017; gnomAD exomes 0.00029; ExAC 0.00056.

Submission:

CeGaT Center for Human Genetics Tuebingen
Classification: Likely benign. Last evaluated: 2022-09-01. Review status: criteria provided, single submitter. Criteria: CeGaT Center For Human Genetics Tuebingen Variant Classification Criteria Version 2. Collection method: clinical testing. Allele origin: germline. Affected: yes. Observed: 1 variant allele.
Comment: KIAA1210: BP4, BP7